The following is an entry in ClinVar:

NM_022817.3(PER2):c.1446C>T (p.Tyr482=)

Gene: PER2 (period circadian regulator 2; minus strand). Cytogenetic location: 2q37.3.
Variant type: single nucleotide variant.
Coding change: c.1446C>T on transcript NM_022817.3 (MANE Select); coding-DNA position 1446, C replaced by T.
Protein change: p.Tyr482=; no amino-acid change (tyrosine 482 retained).
Molecular consequence: synonymous variant.
Genome position (GRCh38, 1-based): chr2:238,260,924, G>A on the plus strand (C>T on the coding strand, the complement: PER2 is on the minus strand). VCF-style: chr2-238260924-G-A. GRCh37 (hg19) VCF-style: chr2-239169565-G-A.
Identifiers: ClinVar variation 3050322 (VCV003050322.2), dbSNP rs200408737, ClinGen allele CA2197414.

ClinVar aggregate classification (germline): Likely benign (0 of 4 stars; one submission).

Conditions:
PER2-related disorder. Also called: PER2-related condition.

Allele frequency attached by ClinVar (database versions not stated): gnomAD 0.00001; TOPMed 0.00001; gnomAD exomes 0.00002.
gnomAD v4.1: 26 of 1,612,350 alleles (0.0016%); highest among the groups gnomAD compares: African/African-American, 0.0013%; no homozygotes.

Submission:

PreventionGenetics, part of Exact Sciences
Classification: Likely benign for PER2-related condition. Last evaluated: 2019-07-15. Review status: no assertion criteria provided. Collection method: clinical testing. Allele origin: germline.
Comment: This variant is classified as likely benign based on ACMG/AMP sequence variant interpretation guidelines (Richards et al. 2015 PMID: 25741868, with internal and published modifications).